The following is an entry in ClinVar:

NM_153676.4(USH1C):c.434G>A (p.Cys145Tyr)

Gene: USH1C (USH1 protein network component harmonin; minus strand). Cytogenetic location: 11p15.1.
Variant type: single nucleotide variant.
Coding change: c.434G>A on transcript NM_153676.4 (MANE Select); coding-DNA position 434, G replaced by A.
Protein change: p.Cys145Tyr; replaces cysteine 145 with tyrosine.
Molecular consequence: missense variant. On other transcripts: non-coding transcript variant (1).
Genome position (GRCh38, 1-based): chr11:17,527,285, C>T on the plus strand (G>A on the coding strand, the complement: USH1C is on the minus strand). VCF-style: chr11-17527285-C-T. GRCh37 (hg19) VCF-style: chr11-17548832-C-T.
Other names: c.434G>A, p.Cys145Tyr (NM_001297764.2, NM_005709.4); c.434G>A (NM_005709.3); short protein forms C145Y.
Identifiers: ClinVar variation 1705648 (VCV001705648.2), dbSNP rs1401383916, ClinGen allele CA379795273.

ClinVar aggregate classification (germline): Uncertain significance. Review status: criteria provided, multiple submitters, no conflicts (2 of 4 stars). 2 submissions from 2 submitters: Uncertain significance (2). Last evaluated 2023-07-18.

Conditions:
Autosomal recessive nonsyndromic hearing loss 18A. Also called: Deafness, autosomal recessive 18A; DEAFNESS, AUTOSOMAL RECESSIVE 18. Identifiers: Orphanet 90636, MedGen C1865870, MONDO:0011192, OMIM 602092.

Submissions (2):

Women's Health and Genetics/Laboratory Corporation of America, LabCorp
Classification: Uncertain significance. Last evaluated: 2023-07-18. Review status: criteria provided, single submitter. Criteria: LabCorp Variant Classification Summary - May 2015. Collection method: clinical testing. Allele origin: germline.
Comment: Variant summary: USH1C c.434G>A (p.Cys145Tyr) results in a non-conservative amino acid change located in the PDZ domain (IPR001478) of the encoded protein sequence. Four of five in-silico tools predict a damaging effect of the variant on protein function. The variant was absent in 251316 control chromosomes (gnomAD). The available data on variant occurrences in the general population are insufficient to allow any conclusion about variant significance. c.434G>A has been reported in the literature in at-least one individual affected with Usher Syndrome (example: Sun_2018). These report(s) do not provide unequivocal conclusions about association of the variant with Usher Syndrome. To our knowledge, no experimental evidence demonstrating an impact on protein function has been reported. The following publication has been ascertained in the context of this evaluation (PMID: 29625443). One submitter has cited clinical-significance assessments for this variant to ClinVar after 2014 and has classified the variant as uncertain significance. Based on the evidence outlined above, the variant was classified as uncertain significance.

3billion
Classification: Uncertain significance for Autosomal recessive nonsyndromic hearing loss 18A. Last evaluated: 2022-09-01. Review status: criteria provided, single submitter. Criteria: ACMG Guidelines, 2015. Collection method: clinical testing. Allele origin: germline. Affected: yes. Observed: 1 heterozygote.
Comment: The variant is not observed in the gnomAD v2.1.1 dataset. While this variant results in missense change, protein truncation variants are a common disease-causing mechanism. Same nucleotide change resulting in same amino acid change has been previously reported to be associated with USH1C-related disorder (PMID: 29625443). However, the evidence of pathogenicity is insufficient at this time. Therefore, this variant is classified as uncertain significance according to the recommendation of ACMG/AMP guideline.

Literature cited by the submitters: PubMed 29625443 (cited by Women's Health and Genetics/Laboratory Corporation of America, LabCorp and 3billion).